The following is an entry in ClinVar:

ClinVar aggregate classification (germline): Likely benign. Review status: criteria provided, multiple submitters, no conflicts (2 of 4 stars). 3 submissions from 3 submitters: Likely benign (3). Last evaluated 2024-11-12.

Allele frequency attached by ClinVar (database versions not stated): gnomAD 0.00002; gnomAD exomes 0.00004; ExAC 0.00005; TOPMed 0.00005; ESP Exome Variant Server 0.00008.
gnomAD v4.1: 64 of 1,613,946 alleles (0.004%); highest among the groups gnomAD compares: Middle Eastern, 0.049%; no homozygotes.

Submissions (3):

Labcorp Genetics (formerly Invitae), Labcorp
Classification: Likely benign. Last evaluated: 2024-11-12. Review status: criteria provided, single submitter. Criteria: Invitae Variant Classification Sherloc (09022015). Collection method: clinical testing. Allele origin: germline.

Blueprint Genetics
Classification: Likely benign. Last evaluated: 2024-06-26. Review status: criteria provided, single submitter. Criteria: ACMG Guidelines, 2015. Collection method: clinical testing. Allele origin: germline.

CeGaT Center for Human Genetics Tuebingen
Classification: Likely benign. Last evaluated: 2022-08-01. Review status: criteria provided, single submitter. Criteria: CeGaT Center For Human Genetics Tuebingen Variant Classification Criteria Version 2. Collection method: clinical testing. Allele origin: germline. Affected: yes. Observed: 1 variant allele.
Comment: FUT8: BP4, BP7

NM_001371533.1(FUT8):c.264G>A (p.Glu88=)

Gene: FUT8 (fucosyltransferase 8; plus strand). Cytogenetic location: 14q23.3.
Variant type: single nucleotide variant.
Coding change: c.264G>A on transcript NM_001371533.1 (MANE Select); coding-DNA position 264, G replaced by A.
Protein change: p.Glu88=; no amino-acid change (glutamic acid 88 retained).
Molecular consequence: synonymous variant. On other transcripts: 5 prime UTR variant (1), non-coding transcript variant (1).
Genome position (GRCh38, 1-based): chr14:65,616,038, G>A. VCF-style: chr14-65616038-G-A. GRCh37 (hg19) VCF-style: chr14-66082756-G-A.
Other names: c.264G>A, p.Glu88= (NM_001371534.1, NM_001371536.1, NM_178155.3 and 1 more transcripts); c.-226G>A (NM_004480.4).
Identifiers: ClinVar variation 2644331 (VCV002644331.28), dbSNP rs373968009, ClinGen allele CA7233161.